The following is an entry in ClinVar:

NM_002528.7(NTHL1):c.238G>A (p.Glu80Lys)

Gene: NTHL1 (nth like DNA glycosylase 1; minus strand). Cytogenetic location: 16p13.3.
Variant type: single nucleotide variant.
Coding change: c.238G>A on transcript NM_002528.7 (MANE Select); coding-DNA position 238, G replaced by A.
Protein change: p.Glu80Lys; replaces glutamic acid 80 with lysine.
Molecular consequence: missense variant. On other transcripts: intron variant (1).
Genome position (GRCh38, 1-based): chr16:2,046,244, C>T on the plus strand (G>A on the coding strand, the complement: NTHL1 is on the minus strand). VCF-style: chr16-2046244-C-T. GRCh37 (hg19) VCF-style: chr16-2096245-C-T.
Other names: c.238G>A, p.Glu80Lys (NM_001318193.2); c.24+36G>A (NM_001318194.2); short protein forms E80K.
Identifiers: ClinVar variation 3881351 (VCV003881351.1).

ClinVar aggregate classification (germline): Uncertain significance (1 of 4 stars; one submission).

Conditions:
Hereditary cancer-predisposing syndrome. Also called: Tumor predisposition; Neoplastic Syndromes, Hereditary; Hereditary Cancer Syndrome; Hereditary neoplastic syndrome. Identifiers: Orphanet 140162, MedGen C0027672, MeSH D009386, MONDO:0015356.

Submission:

Ambry Genetics
Classification: Uncertain significance for Hereditary cancer-predisposing syndrome. Last evaluated: 2024-12-15. Review status: criteria provided, single submitter. Criteria: Ambry Variant Classification Scheme 2023. Collection method: clinical testing. Allele origin: germline.
Comment: The p.E88K variant (also known as c.262G>A), located in coding exon 2 of the NTHL1 gene, results from a G to A substitution at nucleotide position 262. The glutamic acid at codon 88 is replaced by lysine, an amino acid with similar properties. This amino acid position is conserved. In addition, this alteration is predicted to be tolerated by in silico analysis. Based on the available evidence, the clinical significance of this variant remains unclear.